The following is an entry in ClinVar:

ClinVar aggregate classification (germline): Benign/Likely benign. Review status: criteria provided, multiple submitters, no conflicts (2 of 4 stars). 7 submissions from 7 submitters: Benign (5); Likely benign (1). 1 of the submissions does not count toward it. Last evaluated 2026-02-02.

Conditions:
Pancytopenia-developmental delay syndrome. Also called: Bone marrow failure syndrome 2. Identifiers: Orphanet 401764, MedGen C3810350, MONDO:0014317, OMIM 615715.
ERCC6L2-related disorder. Also called: ERCC6L2-related condition.

Allele frequency attached by ClinVar (database versions not stated): 1000 Genomes Project 0.00180; 1000 Genomes Project 30x 0.00187; ESP Exome Variant Server 0.00622; ExAC 0.01241.
gnomAD v4.1: 13,941 of 1,588,756 alleles (0.88%); highest among the groups gnomAD compares: Non-Finnish European, 1%; 78 homozygotes.

Submissions (7):

Labcorp Genetics (formerly Invitae), Labcorp
Classification: Benign. Last evaluated: 2026-02-02. Review status: criteria provided, single submitter. Criteria: Invitae Variant Classification Sherloc (09022015). Collection method: clinical testing. Allele origin: germline.

Mayo Clinic Laboratories, Mayo Clinic
Classification: Benign. Last evaluated: 2025-09-16. Review status: criteria provided, single submitter. Criteria: ACMG Guidelines, 2015. Collection method: clinical testing. Allele origin: germline. Observed: 2 variant alleles.
Comment: BS1, BS2

ARUP Laboratories, Molecular Genetics and Genomics, ARUP Laboratories
Classification: Likely benign for Pancytopenia-developmental delay syndrome. Last evaluated: 2025-07-21. Review status: criteria provided, single submitter. Criteria: ARUP Molecular Germline Variant Investigation Process 2024. Collection method: clinical testing. Allele origin: germline.

CeGaT Center for Human Genetics Tuebingen
Classification: Benign. Last evaluated: 2024-12-01. Review status: criteria provided, single submitter. Criteria: CeGaT Center For Human Genetics Tuebingen Variant Classification Criteria Version 2. Collection method: clinical testing. Allele origin: germline. Affected: yes. Observed: 5 variant alleles.
Comment: ERCC6L2: BP4, BS1, BS2

Genetic Services Laboratory, University of Chicago
Classification: Benign. Last evaluated: 2021-06-21. Review status: criteria provided, single submitter. Criteria: ACMG Guidelines, 2015. Collection method: clinical testing. Allele origin: germline. Affected: no.

Breakthrough Genomics
Classification: Benign. Review status: criteria provided, single submitter. Criteria: ACMG Guidelines, 2015. Collection method: not provided. Allele origin: germline. Inheritance: Autosomal recessive inheritance. Affected: yes.

PreventionGenetics, part of Exact Sciences
Classification: Benign for ERCC6L2-related condition. Last evaluated: 2019-04-30. Review status: no assertion criteria provided. Collection method: clinical testing. Allele origin: germline. Not counted in ClinVar's aggregate classification.
Comment: This variant is classified as benign based on ACMG/AMP sequence variant interpretation guidelines (Richards et al. 2015 PMID: 25741868, with internal and published modifications).

NM_020207.7(ERCC6L2):c.8C>A (p.Pro3Gln)

Gene: ERCC6L2 (ERCC excision repair 6 like 2; plus strand). Cytogenetic location: 9q22.32.
Variant type: single nucleotide variant.
Coding change: c.8C>A on transcript NM_020207.7 (MANE Select); coding-DNA position 8, C replaced by A.
Protein change: p.Pro3Gln; replaces proline 3 with glutamine.
Molecular consequence: missense variant. On other transcripts: non-coding transcript variant (1).
Genome position (GRCh38, 1-based): chr9:95,876,046, C>A. VCF-style: chr9-95876046-C-A. GRCh37 (hg19) VCF-style: chr9-98638328-C-A.
Other names: p.Pro14Gln; c.41C>A (NM_001010895.2, NM_020207.5); c.8C>A, p.Pro3Gln (NM_001010895.4, NM_001375291.1, NM_001375292.1 and 2 more transcripts); short protein forms P3Q.
Identifiers: ClinVar variation 1166945 (VCV001166945.42), dbSNP rs151308487, ClinGen allele CA5139201.